The following is an entry in ClinVar:

NM_005228.5(EGFR):c.3114+3A>G

Gene: EGFR (epidermal growth factor receptor; plus strand). Cytogenetic location: 7p11.2.
Variant type: single nucleotide variant.
Coding change: c.3114+3A>G on transcript NM_005228.5 (MANE Select); 3 bases into the intron after coding-DNA position 3114, A replaced by G.
Molecular consequence: intron variant.
Genome position (GRCh38, 1-based): chr7:55,201,358, A>G. VCF-style: chr7-55201358-A-G. GRCh37 (hg19) VCF-style: chr7-55269051-A-G.
Other names: c.2979+3A>G (NM_001346899.2, NM_001346897.2); c.2313+3A>G (NM_001346941.2); c.3114+3A>G (NM_001346898.2); c.2955+3A>G (NM_001346900.2).
Identifiers: ClinVar variation 844406 (VCV000844406.8), dbSNP rs1325755695, ClinGen allele CA574695905.
Genomic context (GRCh38, chr7:55,201,358, plus strand): 5'-ACAGCAGGGCTTCTTCAGCAGCCCCTCCACGTCACGGACTCCCCTCCTGAGCTCTCTGGT[A>G]TGAAATCTCTGTCTCTCTCTCTCTCTCAAGCTGTGTCTACTCATTTGAACAAATTGAATT-3'

ClinVar aggregate classification (germline): Uncertain significance. Review status: criteria provided, multiple submitters, no conflicts (2 of 4 stars). 2 submissions from 2 submitters: Uncertain significance (2). Last evaluated 2025-10-01.

Conditions:
Hereditary cancer-predisposing syndrome. Also called: Hereditary Cancer Syndrome; Hereditary neoplastic syndrome; Tumor predisposition; Neoplastic Syndromes, Hereditary. Identifiers: Orphanet 140162, MedGen C0027672, MeSH D009386, MONDO:0015356.
EGFR-related lung cancer (EGFR). Identifiers: MedGen CN130014.

Allele frequency attached by ClinVar (database versions not stated): gnomAD exomes below 0.00001 and 0.00001.
gnomAD v4.1: 7 of 1,614,110 alleles (0.00043%); highest among the groups gnomAD compares: Non-Finnish European, 0.00042%; 1 homozygote.

Submissions (2):

Ambry Genetics
Classification: Uncertain significance for Hereditary cancer-predisposing syndrome. Last evaluated: 2025-10-01. Review status: criteria provided, single submitter. Criteria: Ambry Variant Classification Scheme 2023. Collection method: clinical testing. Allele origin: germline.
Comment: The c.3114+3A>G intronic variant results from an A to G substitution 3 nucleotides after coding exon 25 in the EGFR gene. This nucleotide position is highly conserved in available vertebrate species. In silico splice site analysis predicts that this alteration will not have any significant effect on splicing. Based on the available evidence, the clinical significance of this variant remains unclear.

Labcorp Genetics (formerly Invitae), Labcorp
Classification: Uncertain significance for EGFR-related lung cancer. Last evaluated: 2025-02-04. Review status: criteria provided, single submitter. Criteria: Invitae Variant Classification Sherloc (09022015). Collection method: clinical testing. Allele origin: germline.
Comment: This sequence change falls in intron 25 of the EGFR gene. It does not directly change the encoded amino acid sequence of the EGFR protein. It affects a nucleotide within the consensus splice site. This variant is present in population databases (no rsID available, gnomAD 0.002%), including at least one homozygous and/or hemizygous individual. This variant has not been reported in the literature in individuals affected with EGFR-related conditions. ClinVar contains an entry for this variant (Variation ID: 844406). Variants that disrupt the consensus splice site are a relatively common cause of aberrant splicing (PMID: 17576681, 9536098). Algorithms developed to predict the effect of sequence changes on RNA splicing suggest that this variant may disrupt the consensus splice site. In summary, the available evidence is currently insufficient to determine the role of this variant in disease. Therefore, it has been classified as a Variant of Uncertain Significance.

Literature cited by the submitters: PubMed 17576681 (cited by Labcorp Genetics (formerly Invitae), Labcorp); PubMed 9536098 (cited by Labcorp Genetics (formerly Invitae), Labcorp).